The following is an entry in ClinVar:

ClinVar aggregate classification (germline): Benign/Likely benign. Review status: criteria provided, multiple submitters, no conflicts (2 of 4 stars). 2 submissions from 2 submitters: Benign (1); Likely benign (1). Last evaluated 2024-11-01.

Allele frequency attached by ClinVar (database versions not stated): 1000 Genomes Project 30x 0.00250; ESP Exome Variant Server 0.00350; gnomAD exomes 0.00426 and 0.00613; gnomAD 0.00442 and 0.00471; TOPMed 0.00452; ExAC 0.00477; 1000 Genomes Project 0.00240.
gnomAD v4.1: 9,217 of 1,552,070 alleles (0.59%); highest among the groups gnomAD compares: Non-Finnish European, 0.69%; 46 homozygotes.

Submissions (2):

CeGaT Center for Human Genetics Tuebingen
Classification: Likely benign. Last evaluated: 2024-11-01. Review status: criteria provided, single submitter. Criteria: CeGaT Center For Human Genetics Tuebingen Variant Classification Criteria Version 2. Collection method: clinical testing. Allele origin: germline. Affected: yes. Observed: 1 variant allele.
Comment: MYOCD: BP4, BP7, BS2

Labcorp Genetics (formerly Invitae), Labcorp
Classification: Benign. Last evaluated: 2019-12-31. Review status: criteria provided, single submitter. Criteria: Invitae Variant Classification Sherloc (09022015). Collection method: clinical testing. Allele origin: germline.

NM_001146312.3(MYOCD):c.2118C>T (p.His706=)

Gene: MYOCD (myocardin; plus strand). Cytogenetic location: 17p12.
Variant type: single nucleotide variant.
Coding change: c.2118C>T on transcript NM_001146312.3 (MANE Select); coding-DNA position 2118, C replaced by T.
Protein change: p.His706=; no amino-acid change (histidine 706 retained).
Molecular consequence: synonymous variant. On other transcripts: intron variant (1).
Genome position (GRCh38, 1-based): chr17:12,756,473, C>T. VCF-style: chr17-12756473-C-T. GRCh37 (hg19) VCF-style: chr17-12659790-C-T.
Other names: c.1881C>T, p.His627= (NM_001378306.1); c.2059-1612C>T (NM_153604.4).
Identifiers: ClinVar variation 786432 (VCV000786432.18), dbSNP rs111358990, ClinGen allele CA8399774.
Genomic context (GRCh38, chr17:12,756,473, plus strand): 5'-GAACTCAGGAGCACACGATGGCCATCCTCCAAGCTTCTCTCCCCATTCTTCCAGCCTCCA[C>T]CCGCCCTTCTCTGGAGCCCAAGCAGACAGCAGTCATGGTGCCGGGGGAAACCCTTGTCCC-3'
Protein context (NP_001139784.1, residues 696-716): PSFSPHSSSL[His706=]PPFSGAQADS